The following is an entry in ClinVar:

NM_019109.5(ALG1):c.83G>C (p.Arg28Pro)

Genes: ALG1 (ALG1 chitobiosyldiphosphodolichol beta-mannosyltransferase; plus strand), LOC130058383 (ATAC-STARR-seq lymphoblastoid active region 10348; plus strand). Cytogenetic location: 16p13.3.
Variant type: single nucleotide variant.
Coding change: c.83G>C on transcript NM_019109.5 (MANE Select); coding-DNA position 83, G replaced by C.
Protein change: p.Arg28Pro; replaces arginine 28 with proline.
Molecular consequence: missense variant.
Genome position (GRCh38, 1-based): chr16:5,071,932, G>C. VCF-style: chr16-5071932-G-C. GRCh37 (hg19) VCF-style: chr16-5121933-G-C.
Other names: short protein forms R28P.
Identifiers: ClinVar variation 1906873 (VCV001906873.4), dbSNP rs1353988508, ClinGen allele CA394678533.

ClinVar aggregate classification (germline): Uncertain significance (1 of 4 stars; one submission).

Conditions:
ALG1-congenital disorder of glycosylation. Also called: CDG Ik; ALG1-CDG; CONGENITAL DISORDER OF GLYCOSYLATION, TYPE Ik. Identifiers: Orphanet 79327, MedGen C2931005, MONDO:0012052, OMIM 608540.

gnomAD v4.1: 3 of 1,589,186 alleles (0.00019%); highest among the groups gnomAD compares: Non-Finnish European, 0.000086%; no homozygotes.

Submission:

Labcorp Genetics (formerly Invitae), Labcorp
Classification: Uncertain significance for ALG1-congenital disorder of glycosylation. Last evaluated: 2024-10-26. Review status: criteria provided, single submitter. Criteria: Invitae Variant Classification Sherloc (09022015). Collection method: clinical testing. Allele origin: germline.
Comment: This sequence change replaces arginine, which is basic and polar, with proline, which is neutral and non-polar, at codon 28 of the ALG1 protein (p.Arg28Pro). This variant is not present in population databases (gnomAD no frequency). This variant has not been reported in the literature in individuals affected with ALG1-related conditions. ClinVar contains an entry for this variant (Variation ID: 1906873). An algorithm developed to predict the effect of missense changes on protein structure and function outputs the following: PolyPhen-2: "Not Available". The proline amino acid residue is found in multiple mammalian species, which suggests that this missense change does not adversely affect protein function. In summary, the available evidence is currently insufficient to determine the role of this variant in disease. Therefore, it has been classified as a Variant of Uncertain Significance.